The following is an entry in ClinVar:

ClinVar aggregate classification (germline): Likely pathogenic (1 of 4 stars; one submission).

Conditions:
Primary hyperoxaluria, type I (HP1). Also called: OXALOSIS I; Primary hyperoxaluria type 1; GLYCOLIC ACIDURIA; HEPATIC AGT DEFICIENCY. Identifiers: Orphanet 416, Orphanet 93598, MedGen C0268164, MONDO:0009823, OMIM 259900. Disease mechanism: loss of function.

Submission:

Rare Kidney Stone Consortium and the Mayo Clinic Hyperoxaluria Center, Mayo Clinic
Classification: Likely pathogenic for Primary hyperoxaluria, type I. Last evaluated: 2023-10-27. Review status: criteria provided, single submitter. Criteria: ACMG Guidelines, 2015. Collection method: clinical testing. Allele origin: germline. Affected: yes.
Comment: ACMG:PM2 PM5 PP3 PP4

Literature cited by the submitters: PubMed 34805638.

NM_000030.3(AGXT):c.191T>A (p.Ile64Asn)

Gene: AGXT (alanine--glyoxylate aminotransferase; plus strand). Cytogenetic location: 2q37.3.
Variant type: single nucleotide variant.
Coding change: c.191T>A on transcript NM_000030.3 (MANE Select); coding-DNA position 191, T replaced by A.
Protein change: p.Ile64Asn; replaces isoleucine 64 with asparagine.
Molecular consequence: missense variant.
Genome position (GRCh38, 1-based): chr2:240,869,195, T>A. VCF-style: chr2-240869195-T-A. GRCh37 (hg19) VCF-style: chr2-241808612-T-A.
Other names: short protein forms I64N.
Identifiers: ClinVar variation 2664118 (VCV002664118.1), dbSNP rs2528739984, ClinGen allele CA351313399.